The following is an entry in ClinVar:

NM_000152.5(GAA):c.2651C>T (p.Thr884Met)

Gene: GAA (alpha glucosidase; plus strand). Cytogenetic location: 17q25.3.
Variant type: single nucleotide variant.
Coding change: c.2651C>T on transcript NM_000152.5 (MANE Select); coding-DNA position 2651, C replaced by T.
Protein change: p.Thr884Met; replaces threonine 884 with methionine.
Molecular consequence: missense variant.
Genome position (GRCh38, 1-based): chr17:80,118,657, C>T. VCF-style: chr17-80118657-C-T. GRCh37 (hg19) VCF-style: chr17-78092456-C-T.
Other names: c.2651C>T, p.Thr884Met (NM_001079803.3, NM_001079804.3); short protein forms T884M.
Identifiers: ClinVar variation 1443584 (VCV001443584.5), dbSNP rs759144318, ClinGen allele CA8815825.

ClinVar aggregate classification (germline): Uncertain significance (1 of 4 stars; one submission).

Conditions:
Glycogen storage disease, type II (IOPD). Also called: Glucosidase acid-1,4-alpha deficiency; Pompe Disease; GLYCOGENOSIS, GENERALIZED, CARDIAC FORM; GSD II; POMPE DISEASE, INFANTILE-ONSET; GLYCOGEN STORAGE DISEASE II, INFANTILE-ONSET. Identifiers: Orphanet 365, MedGen C0017921, MONDO:0009290, OMIM 232300.

Allele frequency attached by ClinVar (database versions not stated): ExAC 0.00001; gnomAD exomes 0.00001; TOPMed 0.00001.
gnomAD v4.1: 8 of 1,612,280 alleles (0.0005%); highest among the groups gnomAD compares: African/African-American, 0.0013%; no homozygotes.

Submission:

Labcorp Genetics (formerly Invitae), Labcorp
Classification: Uncertain significance for Glycogen storage disease, type II. Last evaluated: 2022-11-01. Review status: criteria provided, single submitter. Criteria: Invitae Variant Classification Sherloc (09022015). Collection method: clinical testing. Allele origin: germline.
Comment: This sequence change replaces threonine, which is neutral and polar, with methionine, which is neutral and non-polar, at codon 884 of the GAA protein (p.Thr884Met). The frequency data for this variant in the population databases is considered unreliable, as metrics indicate poor data quality at this position in the gnomAD database. This variant has not been reported in the literature in individuals affected with GAA-related conditions. ClinVar contains an entry for this variant (Variation ID: 1443584). Advanced modeling of protein sequence and biophysical properties (such as structural, functional, and spatial information, amino acid conservation, physicochemical variation, residue mobility, and thermodynamic stability) performed at Invitae indicates that this missense variant is not expected to disrupt GAA protein function. In summary, the available evidence is currently insufficient to determine the role of this variant in disease. Therefore, it has been classified as a Variant of Uncertain Significance.